The following is an entry in ClinVar:

NM_000059.4(BRCA2):c.1196_1198del (p.Thr399_Leu400delinsIle)

Gene: BRCA2 (BRCA2 DNA repair associated; plus strand). Cytogenetic location: 13q13.1.
Variant type: Deletion.
Coding change: c.1196_1198del on transcript NM_000059.4 (MANE Select); coding-DNA positions 1196 to 1198, 3 bases deleted (CCC; older notation c.1196_1198delCCC).
Protein change: p.Thr399_Leu400delinsIle.
Molecular consequence: inframe indel. On other transcripts: non-coding transcript variant (1), intron variant (1).
Genome position (GRCh38, 1-based): chr13:32,332,674-32,332,676, CCC deleted. VCF-style (leftmost placement, unchanged base first): chr13-32332673-ACCC-A. GRCh37 (hg19) VCF-style: chr13-32906810-ACCC-A.
Other names: c.1196_1198del, p.Thr399_Leu400delinsIle (NM_001406719.1, NM_001406720.1, NM_001406721.1); c.424+1644_424+1646del (NM_001406722.1).
Identifiers: ClinVar variation 3261596 (VCV003261596.1).

ClinVar aggregate classification (germline): Uncertain significance (1 of 4 stars; one submission).

Conditions:
Hereditary cancer-predisposing syndrome. Also called: Hereditary Cancer Syndrome; Tumor predisposition; Hereditary neoplastic syndrome; Neoplastic Syndromes, Hereditary. Identifiers: Orphanet 140162, MedGen C0027672, MeSH D009386, MONDO:0015356.

Submission:

Ambry Genetics
Classification: Uncertain significance for Hereditary cancer-predisposing syndrome. Last evaluated: 2024-05-03. Review status: criteria provided, single submitter. Criteria: Ambry Variant Classification Scheme 2023. Collection method: clinical testing. Allele origin: germline.
Comment: The c.1196_1198delCCC variant (also known as p.T399_L400delinsI) is located in coding exon 9 of the BRCA2 gene. This variant results from an in-frame CCC deletion at nucleotide positions 1196 to 1198. This results in the substitution of threonine and leucine residues for a isoleucine residue at codon 399 and 400. This amino acid region is not well conserved in available vertebrate species. In addition, the in silico prediction for this alteration is inconclusive (Choi Y et al. PLoS ONE. 2012; 7(10):e46688). Based on the available evidence, the clinical significance of this variant remains unclear.